The following is an entry in ClinVar:

ClinVar aggregate classification (germline): Likely pathogenic (1 of 4 stars; one submission).

Conditions:
Glycogen storage disease, type II (IOPD). Also called: Pompe Disease; Glycogen storage disease type 2; Acid maltase deficiency disease; Aglucosidase alfa; Deficiency of alpha-glucosidase; Deficiency of lysosomal alpha-glucosidase. Identifiers: Orphanet 365, MedGen C0017921, MONDO:0009290, OMIM 232300.

Submission:

Institute of Medical Genetics and Genomics, Sir Ganga Ram Hospital
Classification: Likely pathogenic for Glycogen storage disease, type II. Last evaluated: 2023-06-22. Review status: criteria provided, single submitter. Criteria: ACMG Guidelines, 2015. Collection method: clinical testing. Allele origin: germline. Inheritance: Autosomal recessive inheritance. Affected: yes. Observed: 1 homozygote.
Comment: This variant has not been reported in gnomAD database.

NM_000152.5(GAA):c.2481+1G>T

Gene: GAA (alpha glucosidase; plus strand). Cytogenetic location: 17q25.3.
Variant type: single nucleotide variant.
Coding change: c.2481+1G>T on transcript NM_000152.5 (MANE Select); the canonical splice donor site of the intron after coding-DNA position 2481, G replaced by T.
Molecular consequence: splice donor variant.
Genome position (GRCh38, 1-based): chr17:80,117,750, G>T. VCF-style: chr17-80117750-G-T. GRCh37 (hg19) VCF-style: chr17-78091549-G-T.
Other names: c.2481+1G>T (NM_001406741.1, NM_001406742.1, NM_001079803.3 and 1 more transcripts).
Identifiers: ClinVar variation 2506428 (VCV002506428.2), dbSNP rs2510400033, ClinGen allele CA401325551.